The following is an entry in ClinVar:

NM_023110.3(FGFR1):c.2267G>T (p.Arg756Leu)

Gene: FGFR1 (fibroblast growth factor receptor 1; minus strand). Cytogenetic location: 8p11.23.
Variant type: single nucleotide variant.
Coding change: c.2267G>T on transcript NM_023110.3 (MANE Select); coding-DNA position 2267, G replaced by T.
Protein change: p.Arg756Leu; replaces arginine 756 with leucine.
Molecular consequence: missense variant.
Genome position (GRCh38, 1-based): chr8:38,413,943, C>A on the plus strand (G>T on the coding strand, the complement: FGFR1 is on the minus strand). VCF-style: chr8-38413943-C-A. GRCh37 (hg19) VCF-style: chr8-38271461-C-A.
Other names: c.2261G>T, p.Arg754Leu (NM_001174063.2, NM_001174065.2, NM_001354367.2 and 1 more transcripts); c.2237G>T, p.Arg746Leu (NM_001174064.2); c.2000G>T, p.Arg667Leu (NM_001174066.2, NM_023105.3); c.2360G>T, p.Arg787Leu (NM_001174067.2); c.1988G>T, p.Arg663Leu (NM_001354368.2); c.2255G>T, p.Arg752Leu (NM_001354369.2); c.1994G>T, p.Arg665Leu (NM_001354370.2, NM_023106.3); short protein forms R663L, R665L, R667L, R746L, R752L, R754L, R756L, R787L.
Identifiers: ClinVar variation 1188551 (VCV001188551.2), dbSNP rs374473310, ClinGen allele CA370727799.

ClinVar aggregate classification (germline): Uncertain significance (1 of 4 stars; one submission).

Submission:

GeneDx
Classification: Uncertain significance. Last evaluated: 2021-04-23. Review status: criteria provided, single submitter. Criteria: GeneDx Variant Classification Process June 2021. Collection method: clinical testing. Allele origin: germline. Affected: yes.
Comment: Not observed in large population cohorts (Lek et al., 2016); In silico analysis supports that this missense variant has a deleterious effect on protein structure/function; Has not been previously published as pathogenic or benign to our knowledge